The following is an entry in ClinVar:

ClinVar aggregate classification (germline): Benign. Review status: criteria provided, multiple submitters, no conflicts (2 of 4 stars). 3 submissions from 3 submitters: Benign (3). Last evaluated 2020-01-07.

Conditions:
Aortic aneurysm, familial thoracic 4 (AAT4). Also called: AORTIC ANEURYSM/AORTIC DISSECTION AND PATENT DUCTUS ARTERIOSUS. Identifiers: MedGen C1851504, MONDO:0007568, OMIM 132900.

Allele frequency attached by ClinVar (database versions not stated): gnomAD 0.01534 and 0.01618; TOPMed 0.01680; 1000 Genomes Project 0.01797; gnomAD exomes 0.01887; 1000 Genomes Project 30x 0.02061.
gnomAD v4.1: 2,283 of 150,698 alleles (1.5%); highest among the groups gnomAD compares: African/African-American, 5.2%; 47 homozygotes.

Submissions (3):

GeneDx
Classification: Benign. Last evaluated: 2020-01-07. Review status: criteria provided, single submitter. Criteria: GeneDx Variant Classification Process June 2021. Collection method: clinical testing. Allele origin: germline. Affected: yes.

Illumina Laboratory Services, Illumina
Classification: Benign for Aortic aneurysm, familial thoracic 4. Last evaluated: 2018-01-13. Review status: criteria provided, single submitter. Criteria: ICSL Variant Classification Criteria 13 December 2019. Collection method: clinical testing. Allele origin: germline.
Comment: This variant was observed in the ICSL laboratory as part of a predisposition screen in an ostensibly healthy population. It had not been previously curated by ICSL or reported in the Human Gene Mutation Database (HGMD: prior to June 1st, 2018), and was therefore a candidate for classification through an automated scoring system. Utilizing variant allele frequency, disease prevalence and penetrance estimates, and inheritance mode, an automated score was calculated to assess if this variant is too frequent to cause the disease. Based on the score and internal cut-off values, a variant classified as benign is not then subjected to further curation. The score for this variant resulted in a classification of benign for this disease.

Breakthrough Genomics
Classification: Benign. Review status: criteria provided, single submitter. Criteria: ACMG Guidelines, 2015. Collection method: not provided. Allele origin: germline. Inheritance: Autosomal recessive inheritance. Affected: yes.

NM_002474.3(MYH11):c.-88G>A

Gene: MYH11 (myosin heavy chain 11; minus strand). Cytogenetic location: 16p13.11.
Variant type: single nucleotide variant.
Coding change: c.-88G>A on transcript NM_002474.3 (MANE Select); 88 bases upstream of the start codon, G replaced by A.
Molecular consequence: 5 prime UTR variant.
Genome position (GRCh38, 1-based): chr16:15,857,011, C>T on the plus strand (G>A on the coding strand, the complement: MYH11 is on the minus strand). VCF-style: chr16-15857011-C-T. GRCh37 (hg19) VCF-style: chr16-15950868-C-T.
Other names: c.-88G>A (NM_001040113.2, NM_001040114.2, NM_022844.3).
Identifiers: ClinVar variation 318180 (VCV000318180.8), dbSNP rs79612144, ClinGen allele CA10647962.
Genomic context (GRCh38, chr16:15,857,011, plus strand): 5'-CTGGGGGGACTAGTGGAGAGGAAACTGGATGGCGAGCTCGGATCTGACGCACCTCCCAGG[C>T]CGGAGCGTCCAAATCTCCCTGCGCGTCCTCGGACGCCTCTCTTTATAGACCCGGAGCTGC-3'